The following is an entry in ClinVar:

NM_001220.5(CAMK2B):c.1528_1543del (p.Glu510fs)

Gene: CAMK2B (calcium/calmodulin dependent protein kinase II beta; minus strand). Cytogenetic location: 7p13.
Variant type: Deletion.
Coding change: c.1528_1543del on transcript NM_001220.5 (MANE Select); coding-DNA positions 1528 to 1543, 16 bases deleted (GAGGGCCCCTCGCCAG).
Protein change: p.Glu510fs; shifts the reading frame from glutamic acid 510.
Molecular consequence: frameshift variant. On other transcripts: intron variant (8).
Genome position (GRCh38, 1-based): chr7:44,226,570-44,226,585, CTGGCGAGGGGCCCTC deleted on the plus strand (GAGGGCCCCTCGCCAG on the coding strand, the reverse complement: CAMK2B is on the minus strand). VCF-style (leftmost placement, unchanged base first): chr7-44226569-ACTGGCGAGGGGCCCTC-A. GRCh37 (hg19) VCF-style: chr7-44266168-ACTGGCGAGGGGCCCTC-A.
Other names: c.947-5684_947-5669del (NM_172084.3); c.1150+4421_1150+4436del (NM_172080.3); c.1036+4421_1036+4436del (NM_172083.3); c.1108+4421_1108+4436del (NM_172081.3); c.1153+4421_1153+4436del (NM_172079.3, NM_172082.3); c.1225+4421_1225+4436del (NM_001293170.2, NM_172078.3); short protein forms E510fs.
Identifiers: ClinVar variation 1496334 (VCV001496334.6), dbSNP rs1041322115, ClinGen allele CA157915439.

ClinVar aggregate classification (germline): Uncertain significance (1 of 4 stars; one submission).

Allele frequency attached by ClinVar (database versions not stated): gnomAD 0.00001; TOPMed 0.00001; gnomAD exomes 0.00003.

Submission:

Labcorp Genetics (formerly Invitae), Labcorp
Classification: Uncertain significance. Last evaluated: 2021-04-02. Review status: criteria provided, single submitter. Criteria: Invitae Variant Classification Sherloc (09022015). Collection method: clinical testing. Allele origin: germline.
Comment: This variant has not been reported in the literature in individuals with CAMK2B-related conditions. This variant is not present in population databases (ExAC no frequency). This sequence change creates a premature translational stop signal (p.Glu510Trpfs*51) in the CAMK2B gene. It is expected to result in an absent or disrupted protein product. However, the current clinical and genetic evidence is not sufficient to establish whether loss-of-function variants in CAMK2B cause disease. In summary, the available evidence is currently insufficient to determine the role of this variant in disease. Therefore, it has been classified as a Variant of Uncertain Significance.